The following is an entry in ClinVar:

ClinVar aggregate classification (germline): Conflicting classifications of pathogenicity. Review status: criteria provided, conflicting classifications (1 of 4 stars). 5 submissions from 5 submitters: Uncertain significance (3); Likely benign (1). 1 of the submissions does not count toward it. Last evaluated 2025-05-19.

Conditions:
Hereditary cancer-predisposing syndrome. Also called: Tumor predisposition; Hereditary Cancer Syndrome; Hereditary neoplastic syndrome; Neoplastic Syndromes, Hereditary. Identifiers: Orphanet 140162, MedGen C0027672, MeSH D009386, MONDO:0015356.
Ataxia-telangiectasia syndrome (AT). Also called: LOUIS-BAR SYNDROME; Cerebello-oculocutaneous telangiectasia; Immunodeficiency with ataxia telangiectasia; ATAXIA-TELANGIECTASIA, COMPLEMENTATION GROUP A; ATAXIA-TELANGIECTASIA, FRESNO VARIANT; Ataxia-telangiectasia. Identifiers: Orphanet 100, MedGen C0004135, MONDO:0008840, OMIM 208900.

Allele frequency attached by ClinVar (database versions not stated): gnomAD exomes below 0.00001; TOPMed below 0.00001.
gnomAD v4.1: 6 of 1,614,120 alleles (0.00037%); highest among the groups gnomAD compares: African/African-American, 0.0013%; no homozygotes.

Submissions (5):

Labcorp Genetics (formerly Invitae), Labcorp
Classification: Uncertain significance for Ataxia-telangiectasia syndrome. Last evaluated: 2025-05-19. Review status: criteria provided, single submitter. Criteria: Invitae Variant Classification Sherloc (09022015). Collection method: clinical testing. Allele origin: germline.
Comment: This sequence change replaces isoleucine, which is neutral and non-polar, with valine, which is neutral and non-polar, at codon 671 of the ATM protein (p.Ile671Val). This variant is not present in population databases (gnomAD no frequency). This variant has not been reported in the literature in individuals affected with ATM-related conditions. ClinVar contains an entry for this variant (Variation ID: 181923). Invitae Evidence Modeling of protein sequence and biophysical properties (such as structural, functional, and spatial information, amino acid conservation, physicochemical variation, residue mobility, and thermodynamic stability) indicates that this missense variant is not expected to disrupt ATM protein function with a negative predictive value of 95%. In summary, the available evidence is currently insufficient to determine the role of this variant in disease. Therefore, it has been classified as a Variant of Uncertain Significance.

Ambry Genetics
Classification: Likely benign for Hereditary cancer-predisposing syndrome. Last evaluated: 2023-01-21. Review status: criteria provided, single submitter. Criteria: Ambry Variant Classification Scheme 2023. Collection method: clinical testing. Allele origin: germline.

GeneDx
Classification: Uncertain significance. Last evaluated: 2022-03-11. Review status: criteria provided, single submitter. Criteria: GeneDx Variant Classification Process June 2021. Collection method: clinical testing. Allele origin: germline. Affected: yes.
Comment: Not observed at significant frequency in large population cohorts (gnomAD); In silico analysis supports that this missense variant does not alter protein structure/function; Has not been previously published as pathogenic or benign to our knowledge

Color Diagnostics, LLC DBA Color Health
Classification: Uncertain significance for Hereditary cancer-predisposing syndrome. Last evaluated: 2020-03-09. Review status: criteria provided, single submitter. Criteria: ACMG Guidelines, 2015. Collection method: clinical testing. Allele origin: germline.
Comment: This missense variant replaces isoleucine with valine at codon 671 of the ATM protein. Computational prediction is inconclusive regarding the impact of this variant on protein structure and function (internally defined REVEL score threshold 0.5 < inconclusive < 0.7, PMID: 27666373). Splice site prediction tools suggest that this variant may not impact RNA splicing. To our knowledge, functional studies have not been reported for this variant. This variant has not been reported in individuals affected with hereditary cancer in the literature. This variant has not been identified in the general population by the Genome Aggregation Database (gnomAD). The available evidence is insufficient to determine the role of this variant in disease conclusively. Therefore, this variant is classified as a Variant of Uncertain Significance.

Natera, Inc.
Classification: Uncertain significance for Ataxia-telangiectasia. Last evaluated: 2021-07-23. Review status: no assertion criteria provided. Collection method: clinical testing. Allele origin: germline. Not counted in ClinVar's aggregate classification.

NM_000051.4(ATM):c.2011A>G (p.Ile671Val)

Gene: ATM (ATM serine/threonine kinase; plus strand). Cytogenetic location: 11q22.3.
Variant type: single nucleotide variant.
Coding change: c.2011A>G on transcript NM_000051.4 (MANE Select); coding-DNA position 2011, A replaced by G.
Protein change: p.Ile671Val; replaces isoleucine 671 with valine.
Molecular consequence: missense variant.
Genome position (GRCh38, 1-based): chr11:108,253,926, A>G. VCF-style: chr11-108253926-A-G. GRCh37 (hg19) VCF-style: chr11-108124653-A-G.
Other names: p.I671V:ATA>GTA; c.2011A>G, p.Ile671Val (NM_001351834.2); short protein forms I671V.
Identifiers: ClinVar variation 181923 (VCV000181923.21), dbSNP rs730881344, ClinGen allele CA298153.
Genomic context (GRCh38, chr11:108,253,926, plus strand): 5'-CTATTTCTTCAGACAACTTTTGACAAGATGGACTTTTTAACCATTGTGAGAGAATGTGGT[A>G]TAGAAAAGCACCAGTCCAGTATTGGCTTCTCTGTCCACCAGAATCTCAAGGAATCACTGG-3'
Protein context (NP_000042.3, residues 661-681): DFLTIVRECG[Ile671Val]EKHQSSIGFS